The following is an entry in ClinVar:

ClinVar aggregate classification (germline): Uncertain significance. Review status: criteria provided, multiple submitters, no conflicts (2 of 4 stars). 3 submissions from 3 submitters: Uncertain significance (3). Last evaluated 2026-04-07.

Conditions:
Cardiovascular phenotype. Identifiers: MedGen CN230736.

Allele frequency attached by ClinVar (database versions not stated): ExAC 0.00005; ESP Exome Variant Server 0.00022.
gnomAD v4.1: 13 of 1,550,124 alleles (0.00084%); highest among the groups gnomAD compares: African/African-American, 0.0014%; no homozygotes.

Submissions (3):

Women's Health and Genetics/Laboratory Corporation of America, LabCorp
Classification: Uncertain significance. Last evaluated: 2026-04-07. Review status: criteria provided, single submitter. Criteria: LabCorp Variant Classification Summary - May 2015. Collection method: clinical testing. Allele origin: germline.

Ambry Genetics
Classification: Uncertain significance for Cardiovascular phenotype. Last evaluated: 2024-08-03. Review status: criteria provided, single submitter. Criteria: Ambry Variant Classification Scheme 2023. Collection method: clinical testing. Allele origin: germline.
Comment: The p.V3829M variant (also known as c.11485G>A), located in coding exon 2 of the ZNF469 gene, results from a G to A substitution at nucleotide position 11485. The valine at codon 3829 is replaced by methionine, an amino acid with highly similar properties. This amino acid position is conserved. In addition, this alteration is predicted to be tolerated by in silico analysis. Based on the available evidence, the clinical significance of this variant remains unclear.

Labcorp Genetics (formerly Invitae), Labcorp
Classification: Uncertain significance. Last evaluated: 2022-10-15. Review status: criteria provided, single submitter. Criteria: Invitae Variant Classification Sherloc (09022015). Collection method: clinical testing. Allele origin: germline.
Comment: This sequence change replaces valine, which is neutral and non-polar, with methionine, which is neutral and non-polar, at codon 3829 of the ZNF469 protein (p.Val3829Met). This variant is present in population databases (rs371430688, gnomAD 0.004%). This variant has not been reported in the literature in individuals affected with ZNF469-related conditions. Algorithms developed to predict the effect of missense changes on protein structure and function output the following: SIFT: "Tolerated"; PolyPhen-2: "Possibly Damaging"; Align-GVGD: "Class C0". The methionine amino acid residue is found in multiple mammalian species, which suggests that this missense change does not adversely affect protein function. In summary, the available evidence is currently insufficient to determine the role of this variant in disease. Therefore, it has been classified as a Variant of Uncertain Significance.

NM_001367624.2(ZNF469):c.11569G>A (p.Val3857Met)

Gene: ZNF469 (zinc finger protein 469; plus strand). Cytogenetic location: 16q24.2.
Variant type: single nucleotide variant.
Coding change: c.11569G>A on transcript NM_001367624.2 (MANE Select); coding-DNA position 11569, G replaced by A.
Protein change: p.Val3857Met; replaces valine 3857 with methionine.
Molecular consequence: missense variant.
Genome position (GRCh38, 1-based): chr16:88,439,039, G>A. VCF-style: chr16-88439039-G-A. GRCh37 (hg19) VCF-style: chr16-88505447-G-A.
Other names: NM_001127464.1:c.11485G>A; short protein forms V3857M.
Identifiers: ClinVar variation 1988997 (VCV001988997.3), dbSNP rs371430688, ClinGen allele CA8225623.